The following is an entry in ClinVar:

NM_203446.3(SYNJ1):c.2172T>C (p.Tyr724=)

Gene: SYNJ1 (synaptojanin 1; minus strand). Cytogenetic location: 21q22.11.
Variant type: single nucleotide variant.
Coding change: c.2172T>C on transcript NM_203446.3 (MANE Select); coding-DNA position 2172, T replaced by C.
Protein change: p.Tyr724=; no amino-acid change (tyrosine 724 retained).
Molecular consequence: synonymous variant.
Genome position (GRCh38, 1-based): chr21:32,665,045, A>G on the plus strand (T>C on the coding strand, the complement: SYNJ1 is on the minus strand). VCF-style: chr21-32665045-A-G. GRCh37 (hg19) VCF-style: chr21-34037355-A-G.
Other names: c.2289T>C, p.Tyr763= (NM_003895.4); c.2172T>C, p.Tyr724= (NM_001160302.2); c.2157T>C, p.Tyr719= (NM_001160306.2).
Identifiers: ClinVar variation 708833 (VCV000708833.40), dbSNP rs144454116, ClinGen allele CA10003716.

ClinVar aggregate classification (germline): Likely benign. Review status: criteria provided, multiple submitters, no conflicts (2 of 4 stars). 2 submissions from 2 submitters: Likely benign (2). Last evaluated 2026-03-01.

Conditions:
Developmental and epileptic encephalopathy, 53. Also called: Epileptic encephalopathy, early infantile, 53. Identifiers: MedGen C4479313, MONDO:0033362, OMIM 617389.
Early-onset Parkinson disease 20. Also called: PARKINSON DISEASE 20, AUTOSOMAL RECESSIVE EARLY-ONSET. Identifiers: Orphanet 391411, MedGen C3809824, MONDO:0014233, OMIM 615530.

Allele frequency attached by ClinVar (database versions not stated): ExAC 0.00005; gnomAD 0.00005; gnomAD exomes 0.00005 and 0.00009; TOPMed 0.00006; ESP Exome Variant Server 0.00008.

Submissions (2):

CeGaT Center for Human Genetics Tuebingen
Classification: Likely benign. Last evaluated: 2026-03-01. Review status: criteria provided, single submitter. Criteria: CeGaT Center For Human Genetics Tuebingen Variant Classification Criteria Version 2. Collection method: clinical testing. Allele origin: germline. Affected: yes. Observed: 2 variant alleles.
Comment: SYNJ1: BP4, BP7

Labcorp Genetics (formerly Invitae), Labcorp
Classification: Likely benign for Developmental and epileptic encephalopathy, 53; Early-onset Parkinson disease 20. Last evaluated: 2025-04-28. Review status: criteria provided, single submitter. Criteria: Invitae Variant Classification Sherloc (09022015). Collection method: clinical testing. Allele origin: germline.